The following is an entry in ClinVar:

NM_003718.5(CDK13):c.3629C>A (p.Ser1210Ter)

Gene: CDK13 (cyclin dependent kinase 13; plus strand). Cytogenetic location: 7p14.1.
Variant type: single nucleotide variant.
Coding change: c.3629C>A on transcript NM_003718.5 (MANE Select); coding-DNA position 3629, C replaced by A.
Protein change: p.Ser1210Ter; replaces serine 1210 with a stop codon.
Molecular consequence: nonsense.
Genome position (GRCh38, 1-based): chr7:40,093,178, C>A. VCF-style: chr7-40093178-C-A. GRCh37 (hg19) VCF-style: chr7-40132777-C-A.
Other names: c.3449C>A, p.Ser1150Ter (NM_031267.4); short protein forms S1150*, S1210*.
Identifiers: ClinVar variation 2672100 (VCV002672100.1), dbSNP rs781777435, ClinGen allele CA367295437.

ClinVar aggregate classification (germline): Uncertain significance (1 of 4 stars; one submission).

Conditions:
Congenital heart defects, dysmorphic facial features, and intellectual developmental disorder (CHDFIDD). Identifiers: Orphanet 646278, MedGen C4479246, MONDO:0044302, OMIM 617360.

Submission:

Clinical Genomics Laboratory, Washington University in St. Louis
Classification: Uncertain significance for Congenital heart defects, dysmorphic facial features, and intellectual developmental disorder. Last evaluated: 2023-08-27. Review status: criteria provided, single submitter. Criteria: ACMG Guidelines, 2015. Collection method: clinical testing. Allele origin: germline.
Comment: The CDK13 c.3629C>A (p.Ser1210Ter) variant has not been reported in the medical literature to our knowledge. This variant introduces a premature termination codon; however, because this occurs in exon 13 (of 14 total) and lies near the exon/intron junction, it is not predicted to lead to nonsense mediated decay. While this variant does remove 20% of total CDK13 protein, its functional consequence is unknown. This variant is absent from the general population (gnomAD v.2.1.1), indicating it is not a common variant. Due to limited information, and based on ACMG/AMP guidelines for variant interpretation (Richards S et al., PMID: 25741868), the clinical significance of this variant is uncertain at this time.